The following is an entry in ClinVar:

ClinVar aggregate classification (germline): Pathogenic. Review status: criteria provided, multiple submitters, no conflicts (2 of 4 stars). 13 submissions from 13 submitters: Pathogenic (13). Last evaluated 2025-08-27.

Conditions:
PKD1-related disorder. Also called: PKD1-related condition.
Polycystic kidney disease, adult type (PKD1). Also called: POLYCYSTIC KIDNEY DISEASE 1 WITH OR WITHOUT POLYCYSTIC LIVER DISEASE; POLYCYSTIC KIDNEY DISEASE, ADULT, TYPE I; Polycystic Kidney Disease 1, Autosomal Dominant; Polycystic kidney disease 1; Polycystic kidney disease 1, severe; Polycystic Kidney, Autosomal Dominant. Identifiers: MedGen C3149841, MONDO:0008263, OMIM 173900.
Renal cyst. Also called: cystic kidneys; Renal cysts; Cystic kidney disease. Identifiers: MedGen C3887499, MONDO:0002473, HP:0000107.

Submissions (13):

PreventionGenetics, part of Exact Sciences
Classification: Pathogenic for PKD1-related condition. Last evaluated: 2025-08-27. Review status: criteria provided, single submitter. Criteria: ACMG Guidelines, 2015. Collection method: clinical testing. Allele origin: germline.
Comment: The PKD1 c.11156G>A variant is predicted to result in the amino acid substitution p.Arg3719Gln. This variant has been reported in multiple individuals with autosomal dominant polycystic kidney disease (ADPKD), including cases in which this variant was determined to have arisen do novo and cases where the variant segregated with disease within a family (reported as R3718Q in Aguiari et al. 2000. PubMed ID: 11058904; Xu et al. 2018. PubMed ID: 29529603; Bitarafan and Garshasbi. 2019. PubMed ID: 31160911). In addition to causing an amino acid substitution, this variant is located at the last nucleotide of exon 38 and is predicted to interfere with canonical splicing (SpliceAI, Jaganathan et al. 2019. PubMed ID: 30661751; Alamut Visual Plus v1.6.1). This prediction has been validated in a functional study using a mini-gene splicing assay which found this variant altered normal mRNA splicing (Gonzalez-Paredes et al. 2014. PubMed ID: 24907393). This variant has not been reported in a large population database (gnomAD), indicating this variant is rare. Given all the evidence, we interpret c.11156G>A (p.Arg3719Gln) as pathogenic.

Laboratory of Genetics, Children's Clinical University Hospital Latvia
Classification: Pathogenic. Last evaluated: 2025-02-16. Review status: criteria provided, single submitter. Criteria: ACMG Guidelines, 2015. Collection method: clinical testing. Allele origin: germline. Affected: yes.

GeneDx
Classification: Pathogenic. Last evaluated: 2024-11-07. Review status: criteria provided, single submitter. Criteria: GeneDx Variant Classification Process June 2021. Collection method: clinical testing. Allele origin: germline. Affected: yes.
Comment: Published functional studies demonstrate this variant abolishes the splice donor site and generates an abnormal mRNA product that retains a portion of intron 38 (PMID: 24907393); Not observed at significant frequency in large population cohorts (gnomAD); This variant is associated with the following publications: (PMID: 11691639, 25757501, 25525159, 31160911, 11058904, 36573973, 38106161, 29529603, 24907393)

Blueprint Genetics
Classification: Pathogenic for PKD1-related disorders. Last evaluated: 2024-10-24. Review status: criteria provided, single submitter. Criteria: ACMG Guidelines, 2015. Collection method: clinical testing. Allele origin: germline. Affected: yes. Observed: 5 variant alleles.

Clinical Genomics Laboratory, Washington University in St. Louis
Classification: Pathogenic for Polycystic kidney disease, adult type. Last evaluated: 2024-06-12. Review status: criteria provided, single submitter. Criteria: ACMG Guidelines, 2015. Collection method: clinical testing. Allele origin: germline. Affected: yes.
Comment: A PKD1 c.11156G>A (p.Arg3719Gln) variant was identified. This variant has been reported in numerous individuals affected with polycystic kidney disease (Gonzalez-Paredes FJ et al., PMID: 24907393; Tsuchiya K et al., PMID: 11691639; Xu D et al., PMID: 29529603) and is reported to segregate with disease in at least seven individuals in two separate families (Aguiari G et al., PMID: 11058904; Bitarafan F et al., PMID: 31160911). It has been reported in the ClinVar database as a pathogenic variant by four submitters (ClinVar ID: 440073). The PKD1 c.11156G>A (p.Arg3719Gln) variant is absent from the general population (gnomAD v.2.1.1), indicating it is not a common variant. This variant is predicted to cause a change in the length of the protein due to aberrant splicing and the skipping of exon 39. Functional studies show that this single nucleotide variant abolishes a donor splice site and generates an mRNA containing part of intron 38, indicating that this variant impacts protein function (Gonzalez-Paredes FJ et al., PMID: 24907393). Based on available information and the ACMG/AMP guidelines for variant interpretation (Richards S et al., PMID: 25741868), this variant is classified as pathogenic.

Fulgent Genetics
Classification: Pathogenic for Polycystic kidney disease, adult type. Last evaluated: 2024-03-30. Review status: criteria provided, single submitter. Criteria: ACMG Guidelines, 2015. Collection method: clinical testing. Allele origin: germline.

Revvity Omics, Revvity
Classification: Pathogenic for Polycystic kidney disease, adult type. Last evaluated: 2024-03-26. Review status: criteria provided, single submitter. Criteria: ACMG Guidelines, 2015. Collection method: clinical testing. Allele origin: germline.

Victorian Clinical Genetics Services, Murdoch Childrens Research Institute
Classification: Pathogenic for Polycystic kidney disease, adult type. Last evaluated: 2023-07-17. Review status: criteria provided, single submitter. Criteria: ACMG Guidelines, 2015. Collection method: clinical testing. Allele origin: germline. Inheritance: Autosomal dominant inheritance. Affected: yes.
Comment: Based on the classification scheme VCGS_Germline_v1.3.4, this variant is classified as Pathogenic. Following criteria are met: 0102 - Loss of function is a known mechanism of disease in this gene and is associated with polycystic kidney disease 1 (MIM#173900). (I) 0107 - This gene is associated with autosomal dominant disease. Polycystic kidney disease 1 (MIM#173900) is predominantly caused by monoallelic variants, with rare reports of biallelic variants causing disease (OMIM). (I) 0200 - Variant is predicted to result in a missense amino acid change from arginine to glutamine. RT-PCR studies on a minigene have suggested that this variant abolishes the donor site of exon 38, leading to the activiation of a cryptic donor site, skipping of exon 39 and the retention of 117bps of intron 38 which contains a PTC (PMID: 24907393). However, further studies would be required to prove this splice outcome. (I) 0251 - This variant is heterozygous. (I) 0301 - Variant is absent from gnomAD (both v2 and v3). (SP) 0309 - An alternative amino acid change at the same position has been observed in gnomAD (v2) (1 heterozygote, 0 homozygotes). (I) 0502 - Missense variant with conflicting in silico predictions and uninformative conservation. In silico predictions for abnormal splicing are also conflicting. (I) 0600 - Variant is located in the annotated polycystin domain (DECIPHER). (I) 0704 - Another missense variant comparable to the one identified in this case has limited previous evidence for pathogenicity. p.(Arg3719Leu) has been reported in an individual with ADPKD and classified as likely pathogneic (PMID: 30333007). (SP) 0801 - This variant has strong previous evidence of pathogenicity in unrelated individuals. This variant has been classified as pathogenic by several clinical laboratories in ClinVar, and has been observed in several individuals with ADPKD (PMID: 11691639, 11058904, 31160911). (SP) 0901 - This variant has strong evidence for segregation with disease. This variant has been observed to segregate with disease across several members of two families with ADPKD (PMID: 11058904, 31160911). (SP) 1208 - Inheritance information for this variant is not currently available in this individual. (I) Legend: (SP) - Supporting pathogenic, (I) - Information, (SB) - Supporting benign

3billion
Classification: Pathogenic for Polycystic kidney disease, adult type. Last evaluated: 2023-06-09. Review status: criteria provided, single submitter. Criteria: ACMG Guidelines, 2015. Collection method: clinical testing. Allele origin: germline. Affected: yes.
Comment: The variant is not observed in the gnomAD v2.1.1 dataset. Predicted Consequence/Location: Missense variant The same nucleotide change resulting in the same amino acid change has been previously reported as pathogenic/likely pathogenic with strong evidence (ClinVar ID: VCV000440073 /PMID: 11058904).The variant has been observed in multiple (>3) similarly affected unrelated individuals (PMID: 11058904, 11691639, 30333007, 36573973). The variant has been reported to co-segregate with the disease in at least 3 similarly affected relatives/individuals in the same family or similarly affected unrelated families (PMID: 36573973). Therefore, this variant is classified as Pathogenic according to the recommendation of ACMG/AMP guideline.

Institute of Medical Genetics and Applied Genomics, University Hospital Tübingen
Classification: Pathogenic. Last evaluated: 2020-10-23. Review status: criteria provided, single submitter. Criteria: ACMG Guidelines, 2015. Collection method: clinical testing. Allele origin: germline. Inheritance: Unknown mechanism. Affected: yes.

Cambridge Genomics Laboratory, East Genomic Laboratory Hub, NHS Genomic Medicine Service
Classification: Pathogenic for Renal cyst. Last evaluated: 2020-03-27. Review status: criteria provided, single submitter. Criteria: ACGS Best Practice Guidelines for Variant Classification in Rare Disease 2020. Collection method: clinical testing. Allele origin: germline. Affected: yes. Observed: 1 variant allele.

ARUP Laboratories, Molecular Genetics and Genomics, ARUP Laboratories
Classification: Pathogenic for Polycystic kidney disease, adult type. Last evaluated: 2019-02-08. Review status: criteria provided, single submitter. Criteria: ARUP Molecular Germline Variant Investigation Process. Collection method: clinical testing. Allele origin: germline.
Comment: The PKD1 c.11156G>A;p.Arg3719Gln variant has been described in the literature in individuals and families with polycystic kidney disease (Aguiari 2000, Audrezet 2012, Gonzalez-Pardedes 2014). This variant is absent from general population databases (Exome Variant Server, Genome Aggregation Database), indicating it is not a common polymorphism. The nucleotide at this position is highly conserved and is the last nucleotide of the exon, and computational analyses (Alamut v.2.11) predict that this variant may impact splicing by weakening the nearby canonical donor splice site. Consistent with these predictions, in vitro minigene splicing assays indicate that this variant leads to usage of an alternative deep intronic splice donor site, which introduces a premature stop codon (Gonzalez-Pardedes 2014). Based on available information, this variant is considered to be pathogenic. References: Aguiari G et al. Novel splicing and missense mutations in autosomal dominant polycystic kidney disease 1 (PKD1) gene: expression of mutated genes. Hum Mutat. 2000 Nov;16(5):444-5. Audrezet MP et al. Autosomal dominant polycystic kidney disease: comprehensive mutation analysis of PKD1 and PKD2 in 700 unrelated patients. Hum Mutat. 2012 Aug;33(8):1239-50. Gonzalez-Paredes FJ et al. Defective pre-mRNA splicing in PKD1 due to presumed missense and synonymous mutations causing autosomal dominant polycystic disease. Gene. 2014 Aug 10;546(2):243-9. Tsuchiya K et al. Mutational analysis within the 3' region of the PKD1 gene in Japanese families. Mutat Res. 2001 Dec;458(3-4):77-84.

Juno Genomics, Hangzhou Juno Genomics, Inc
Classification: Pathogenic for Polycystic kidney disease, adult type. Review status: criteria provided, single submitter. Criteria: ACMG Guidelines, 2015. Collection method: clinical testing. Allele origin: germline. Affected: yes.
Comment: Null variant in a gene where loss of function (LOF) is a known mechanism of disease.;The prevalence of the variant in affected individuals is significantly increased compared to the prevalence in controls.;Absent from controls (or at extremely low frequency if recessive) in Genome Aggregation Database, Exome Sequencing Project, 1000 Genomes Project, or Exome Aggregation Consortium.;Assumed de novo, but without confirmation of paternity and maternity.;Co-segregation with disease in multiple affected family members in a gene definitively known to cause the disease.;Patient's phenotype or family history is highly specific for a disease with a single genetic etiology.

Literature cited by the submitters: PubMed 11058904 (cited by Victorian Clinical Genetics Services, Murdoch Childrens Research Institute and 3billion); PubMed 11691639 (cited by Victorian Clinical Genetics Services, Murdoch Childrens Research Institute and 3billion); PubMed 24907393 (cited by Victorian Clinical Genetics Services, Murdoch Childrens Research Institute); PubMed 30333007 (cited by Victorian Clinical Genetics Services, Murdoch Childrens Research Institute and 3billion); PubMed 31160911 (cited by Victorian Clinical Genetics Services, Murdoch Childrens Research Institute); PubMed 36573973 (cited by 3billion).

NM_001009944.3(PKD1):c.11156G>A (p.Arg3719Gln)

Genes: PKD1 (polycystin 1, transient receptor potential channel interacting; minus strand), PKD1-AS1 (PKD1 antisense RNA 1; plus strand). Cytogenetic location: 16p13.3.
Variant type: single nucleotide variant.
Coding change: c.11156G>A on transcript NM_001009944.3 (MANE Select); coding-DNA position 11156, G replaced by A.
Protein change: p.Arg3719Gln; replaces arginine 3719 with glutamine.
Molecular consequence: missense variant. On other transcripts: non-coding transcript variant (1).
Genome position (GRCh38, 1-based): chr16:2,092,954, C>T on the plus strand (G>A on the coding strand, the complement: PKD1 is on the minus strand). VCF-style: chr16-2092954-C-T. GRCh37 (hg19) VCF-style: chr16-2142955-C-T.
Other names: c.11153G>A, p.Arg3718Gln (NM_000296.4); short protein forms R3718Q, R3719Q.
Identifiers: ClinVar variation 440073 (VCV000440073.26), dbSNP rs1555446576, ClinGen allele CA394336677.